The following is an entry in ClinVar:

NM_000213.5(ITGB4):c.1263G>A (p.Thr421=)

Gene: ITGB4 (integrin subunit beta 4; plus strand). Cytogenetic location: 17q25.1.
Variant type: single nucleotide variant.
Coding change: c.1263G>A on transcript NM_000213.5 (MANE Select); coding-DNA position 1263, G replaced by A.
Protein change: p.Thr421=; no amino-acid change (threonine 421 retained).
Molecular consequence: synonymous variant.
Genome position (GRCh38, 1-based): chr17:75,731,859, G>A. VCF-style: chr17-75731859-G-A. GRCh37 (hg19) VCF-style: chr17-73727940-G-A.
Other names: c.1263G>A, p.Thr421= (NM_001005619.2, NM_001005731.3, NM_001321123.2).
Identifiers: ClinVar variation 2894457 (VCV002894457.5), dbSNP rs372707561, ClinGen allele CA8768951.

ClinVar aggregate classification (germline): Likely benign. Review status: criteria provided, single submitter (1 of 4 stars). 2 submissions from 2 submitters: Likely benign (1). 1 of the submissions does not count toward it. Last evaluated 2024-03-13.

Conditions:
ITGB4-related disorder. Also called: ITGB4-related condition.

Allele frequency attached by ClinVar (database versions not stated): gnomAD exomes 0.00001; gnomAD 0.00002; ExAC 0.00004; TOPMed 0.00005; ESP Exome Variant Server 0.00015.
gnomAD v4.1: 16 of 1,612,754 alleles (0.00099%); highest among the groups gnomAD compares: Middle Eastern, 0.016%; no homozygotes.

Submissions (2):

Labcorp Genetics (formerly Invitae), Labcorp
Classification: Likely benign. Last evaluated: 2024-03-13. Review status: criteria provided, single submitter. Criteria: Invitae Variant Classification Sherloc (09022015). Collection method: clinical testing. Allele origin: germline.

PreventionGenetics, part of Exact Sciences
Classification: Likely benign for ITGB4-related condition. Last evaluated: 2022-10-17. Review status: no assertion criteria provided. Collection method: clinical testing. Allele origin: germline. Not counted in ClinVar's aggregate classification.
Comment: This variant is classified as likely benign based on ACMG/AMP sequence variant interpretation guidelines (Richards et al. 2015 PMID: 25741868, with internal and published modifications).